The following is an entry in ClinVar:

ClinVar aggregate classification (germline): Likely benign. Review status: criteria provided, multiple submitters, no conflicts (2 of 4 stars). 3 submissions from 3 submitters: Likely benign (2). 1 of the submissions does not count toward it. Last evaluated 2025-01-13.

Conditions:
Autosomal dominant Parkinson disease 8. Also called: Parkinson disease 8, susceptibility to; LRRK2-Related Parkinson Disease; Parkinson disease 8. Identifiers: Orphanet 411602, MedGen C1846862, MONDO:0011764, OMIM 607060.

Allele frequency attached by ClinVar (database versions not stated): gnomAD exomes 0.00010 and 0.00005; gnomAD 0.00024 and 0.00021; ExAC 0.00015; TOPMed 0.00022; ESP Exome Variant Server 0.00015.
gnomAD v4.1: 102 of 1,612,958 alleles (0.0063%); highest among the groups gnomAD compares: African/African-American, 0.067%; no homozygotes.

Submissions (3):

Athena Diagnostics
Classification: Likely benign. Last evaluated: 2025-01-13. Review status: criteria provided, single submitter. Criteria: Athena Diagnostics Criteria. Collection method: clinical testing. Allele origin: unknown.
Comment: The frequency of this variant in the general population is higher than would generally be expected for pathogenic variants in this gene. Computational tools predict this amino acid change may be benign.

Labcorp Genetics (formerly Invitae), Labcorp
Classification: Likely benign for Autosomal dominant Parkinson disease 8. Last evaluated: 2023-10-23. Review status: criteria provided, single submitter. Criteria: Invitae Variant Classification Sherloc (09022015). Collection method: clinical testing. Allele origin: germline.

GeneReviews
No classification provided. Condition: Autosomal dominant Parkinson disease 8. Review status: no classification provided. Collection method: literature only. Allele origin: unknown. Not counted in ClinVar's aggregate classification.

Literature cited by the submitters: PubMed 19800393 (cited by Athena Diagnostics); PubMed 20301387 (cited by GeneReviews); NCBI Bookshelf NBK1208 (cited by GeneReviews).

NM_198578.4(LRRK2):c.5467C>A (p.Gln1823Lys)

Gene: LRRK2 (leucine rich repeat kinase 2; plus strand). Cytogenetic location: 12q12.
Variant type: single nucleotide variant.
Coding change: c.5467C>A on transcript NM_198578.4 (MANE Select); coding-DNA position 5467, C replaced by A.
Protein change: p.Gln1823Lys; replaces glutamine 1823 with lysine.
Molecular consequence: missense variant.
Genome position (GRCh38, 1-based): chr12:40,322,468, C>A. VCF-style: chr12-40322468-C-A. GRCh37 (hg19) VCF-style: chr12-40716270-C-A.
Other names: short protein forms Q1823K.
Identifiers: ClinVar variation 39210 (VCV000039210.13), dbSNP rs72547980, ClinGen allele CA343630.